The following is an entry in ClinVar:

NM_001013845.2(EOLA2):c.396G>A (p.Glu132=)

Gene: EOLA2 (endothelium and lymphocyte associated ASCH domain 2; minus strand). Cytogenetic location: Xq28.
Variant type: single nucleotide variant.
Coding change: c.396G>A on transcript NM_001013845.2 (MANE Select); coding-DNA position 396, G replaced by A.
Protein change: p.Glu132=; no amino-acid change (glutamic acid 132 retained).
Molecular consequence: synonymous variant.
Genome position (GRCh38, 1-based): chrX:149,932,625, C>T on the plus strand (G>A on the coding strand, the complement: EOLA2 is on the minus strand). VCF-style: chrX-149932625-C-T. GRCh37 (hg19) VCF-style: chrX-149100843-C-T.
Identifiers: ClinVar variation 2661626 (VCV002661626.23), dbSNP rs147269683, ClinGen allele CA10538442.

ClinVar aggregate classification (germline): Likely benign (1 of 4 stars; one submission).

Allele frequency attached by ClinVar (database versions not stated): gnomAD exomes 0.00008; ExAC 0.00025; gnomAD 0.00071; ESP Exome Variant Server 0.00085; TOPMed 0.00110.

Submission:

CeGaT Center for Human Genetics Tuebingen
Classification: Likely benign. Last evaluated: 2022-06-01. Review status: criteria provided, single submitter. Criteria: CeGaT Center For Human Genetics Tuebingen Variant Classification Criteria Version 2. Collection method: clinical testing. Allele origin: germline. Affected: yes. Observed: 1 variant allele.
Comment: EOLA2: BP4, BP7